The following is an entry in ClinVar:

ClinVar aggregate classification (germline): Uncertain significance. Review status: criteria provided, multiple submitters, no conflicts (2 of 4 stars). 2 submissions from 2 submitters: Uncertain significance (2). Last evaluated 2024-01-16.

Conditions:
Inborn genetic diseases. Identifiers: MedGen C0950123, MeSH D030342.

Allele frequency attached by ClinVar (database versions not stated): gnomAD 0.00003; gnomAD exomes 0.00003; TOPMed 0.00010.
gnomAD v4.1: 41 of 1,551,112 alleles (0.0026%); highest among the groups gnomAD compares: East Asian, 0.029%; no homozygotes.

Submissions (2):

Ambry Genetics
Classification: Uncertain significance for Inborn genetic diseases. Last evaluated: 2024-01-16. Review status: criteria provided, single submitter. Criteria: Ambry Variant Classification Scheme 2023. Collection method: clinical testing. Allele origin: germline.

Labcorp Genetics (formerly Invitae), Labcorp
Classification: Uncertain significance. Last evaluated: 2022-03-19. Review status: criteria provided, single submitter. Criteria: Invitae Variant Classification Sherloc (09022015). Collection method: clinical testing. Allele origin: germline.
Comment: This sequence change replaces glutamic acid, which is acidic and polar, with lysine, which is basic and polar, at codon 1024 of the TRAPPC9 protein (p.Glu1024Lys). This variant is present in population databases (rs762550378, gnomAD 0.1%). This variant has not been reported in the literature in individuals affected with TRAPPC9-related conditions. Algorithms developed to predict the effect of missense changes on protein structure and function are either unavailable or do not agree on the potential impact of this missense change (SIFT: "Not Available"; PolyPhen-2: "Benign"; Align-GVGD: "Not Available"). In summary, the available evidence is currently insufficient to determine the role of this variant in disease. Therefore, it has been classified as a Variant of Uncertain Significance.

NM_001160372.4(TRAPPC9):c.2776G>A (p.Glu926Lys)

Gene: TRAPPC9 (trafficking protein particle complex subunit 9; minus strand). Cytogenetic location: 8q24.3.
Variant type: single nucleotide variant.
Coding change: c.2776G>A on transcript NM_001160372.4 (MANE Select); coding-DNA position 2776, G replaced by A.
Protein change: p.Glu926Lys; replaces glutamic acid 926 with lysine.
Molecular consequence: missense variant. On other transcripts: non-coding transcript variant (1), intron variant (1).
Genome position (GRCh38, 1-based): chr8:139,988,760, C>T on the plus strand (G>A on the coding strand, the complement: TRAPPC9 is on the minus strand). VCF-style: chr8-139988760-C-T. GRCh37 (hg19) VCF-style: chr8-140998968-C-T.
Other names: c.2749G>A, p.Glu917Lys (NM_001321646.2); c.2797G>A, p.Glu933Lys (NM_001374682.1); c.2632G>A, p.Glu878Lys (NM_001374684.1); c.2776G>A, p.Glu926Lys (NM_031466.8); c.2699+35177G>A (NM_001374683.1); c.3070G>A (NM_031466.5); short protein forms E926K, E917K, E933K, E878K.
Identifiers: ClinVar variation 2070108 (VCV002070108.2), dbSNP rs762550378, ClinGen allele CA4892984.